The following is an entry in ClinVar:

ClinVar aggregate classification (germline): Uncertain significance (1 of 4 stars; one submission).

gnomAD v4.1: 1 of 1,608,600 alleles (0.000062%); highest among the groups gnomAD compares: Non-Finnish European, 0.000085%; no homozygotes.

Submission:

Labcorp Genetics (formerly Invitae), Labcorp
Classification: Uncertain significance. Last evaluated: 2025-10-24. Review status: criteria provided, single submitter. Criteria: Invitae Variant Classification Sherloc (09022015). Collection method: clinical testing. Allele origin: germline.
Comment: This sequence change replaces leucine, which is neutral and non-polar, with valine, which is neutral and non-polar, at codon 409 of the GRIN2D protein (p.Leu409Val). This variant is not present in population databases (gnomAD no frequency). This variant has not been reported in the literature in individuals affected with GRIN2D-related conditions. ClinVar contains an entry for this variant (Variation ID: 1358311). Invitae Evidence Modeling of protein sequence and biophysical properties (such as structural, functional, and spatial information, amino acid conservation, physicochemical variation, residue mobility, and thermodynamic stability) indicates that this missense variant is not expected to disrupt GRIN2D protein function with a negative predictive value of 80%. In summary, the available evidence is currently insufficient to determine the role of this variant in disease. Therefore, it has been classified as a Variant of Uncertain Significance.

NM_000836.4(GRIN2D):c.1225C>G (p.Leu409Val)

Gene: GRIN2D (glutamate ionotropic receptor NMDA type subunit 2D; plus strand). Cytogenetic location: 19q13.33.
Variant type: single nucleotide variant.
Coding change: c.1225C>G on transcript NM_000836.4 (MANE Select); coding-DNA position 1225, C replaced by G.
Protein change: p.Leu409Val; replaces leucine 409 with valine.
Molecular consequence: missense variant.
Genome position (GRCh38, 1-based): chr19:48,414,397, C>G. VCF-style: chr19-48414397-C-G. GRCh37 (hg19) VCF-style: chr19-48917654-C-G.
Other names: short protein forms L409V.
Identifiers: ClinVar variation 1358311 (VCV001358311.8), dbSNP rs1970915975, ClinGen allele CA406695116.